The following is an entry in ClinVar:

NM_014363.6(SACS):c.9508C>T (p.Arg3170Ter)

Gene: SACS (sacsin molecular chaperone; minus strand). Cytogenetic location: 13q12.12.
Variant type: single nucleotide variant.
Coding change: c.9508C>T on transcript NM_014363.6 (MANE Select); coding-DNA position 9508, C replaced by T.
Protein change: p.Arg3170Ter; replaces arginine 3170 with a stop codon.
Molecular consequence: nonsense.
Genome position (GRCh38, 1-based): chr13:23,334,368, G>A on the plus strand (C>T on the coding strand, the complement: SACS is on the minus strand). VCF-style: chr13-23334368-G-A. GRCh37 (hg19) VCF-style: chr13-23908507-G-A.
Other names: p.Arg3170*; c.9067C>T, p.Arg3023Ter (NM_001278055.2); short protein forms R3170*, R3023*.
Identifiers: ClinVar variation 280094 (VCV000280094.25), dbSNP rs202199411, ClinGen allele CA6910613.

ClinVar aggregate classification (germline): Pathogenic/Likely pathogenic. Review status: criteria provided, multiple submitters, no conflicts (2 of 4 stars). 13 submissions from 13 submitters: Pathogenic (7); Likely pathogenic (4). 2 of the submissions do not count toward it. Last evaluated 2026-01-20.

Conditions:
SACS-related disorder. Also called: SACS-related condition.
Spastic paraplegia. Identifiers: MedGen C0037772, HP:0001258.
Charlevoix-Saguenay spastic ataxia (SACS). Also called: AUTOSOMAL RECESSIVE SPASTIC ATAXIA OF CHARLEVOIX-SAGUENAY; Spastic ataxia of Charlevoix-Saguenay; SPASTIC ATAXIA 6, AUTOSOMAL RECESSIVE. Identifiers: Orphanet 98, MedGen C1849140, MONDO:0010041, OMIM 270550.

Allele frequency attached by ClinVar (database versions not stated): gnomAD exomes below 0.00001 and 0.00001; ExAC 0.00001; TOPMed 0.00002; gnomAD 0.00003; ESP Exome Variant Server 0.00008.
gnomAD v4.1: 12 of 1,612,636 alleles (0.00074%); highest among the groups gnomAD compares: Non-Finnish European, 0.001%; no homozygotes.

Submissions (13):

PreventionGenetics, part of Exact Sciences
Classification: Pathogenic for SACS-related condition. Last evaluated: 2026-01-20. Review status: criteria provided, single submitter. Criteria: ACMG Guidelines, 2015. Collection method: clinical testing. Allele origin: germline.
Comment: The SACS c.9508C>T variant is predicted to result in premature protein termination (p.Arg3170*). This variant has been reported with a second causative variant in an individual with autosomal recessive spastic ataxia of Charlevoix-Saguenay (ARSACS) (Thiffault et al. 2013. PubMed ID: 23250129). This variant is reported in 0.0016% of alleles in individuals of European (Non-Finnish) descent in gnomAD. Nonsense variants in SACS are expected to be pathogenic. This variant is interpreted as pathogenic.

Natera, Inc.
Classification: Likely pathogenic for Charlevoix-Saguenay type spastic ataxia. Last evaluated: 2025-12-18. Review status: criteria provided, single submitter. Criteria: Natera Variant Classification Schema (03/2026). Collection method: clinical testing. Allele origin: germline.
Comment: The c.9508C>T variant in SACS is a nonsense variant predicted to introduce a stop codon at amino acid 3170. This variant is expected to result in nonsense mediated decay, truncation, or a dysfunctional protein product. This variant is rare in the general population with a frequency below the threshold expected for the associated phenotype(s). This variant has been observed in one or more individuals affected with the associated recessive disease, as either homozygous or compound heterozygous with a second variant (PMID: 23250129). Given the available evidence, this variant is classified as Likely Pathogenic.

Mayo Clinic Laboratories, Mayo Clinic
Classification: Likely pathogenic. Last evaluated: 2025-06-20. Review status: criteria provided, single submitter. Criteria: ACMG Guidelines, 2015. Collection method: clinical testing. Allele origin: germline. Observed: 1 variant allele.
Comment: PM2_supporting, PM3_supporting, PVS1_strong

Variantyx, Inc.
Classification: Likely pathogenic for Charlevoix-Saguenay spastic ataxia. Last evaluated: 2025-05-28. Review status: criteria provided, single submitter. Criteria: Variantyx Assertion Criteria 2022. Collection method: clinical testing. Allele origin: germline. Inheritance: Autosomal recessive inheritance. Affected: yes.
Comment: This is a nonsense variant in the SACS gene (OMIM: 604490). Pathogenic variants in this gene have been associated with autosomal recessive spastic ataxia of Charlevoix-Saguenay type. This variant introduces a premature termination codon in exon 10 out of 10 and is expected to result in loss of function, which is a known disease mechanism for SACS in this disorder (PMID: 23250129 ) (PVS1). This variant has a 0.0011% maximum allele frequency in non-founder control populations (PM2). It has been reported in the homozygous or compound heterozygous state in one affected individual (PMID:23250129). Based on the current evidence, this variant is classified as likely pathogenic for autosomal recessive spastic ataxia of Charlevoix-Saguenay type.

Labcorp Genetics (formerly Invitae), Labcorp
Classification: Pathogenic for Spastic paraplegia. Last evaluated: 2025-05-05. Review status: criteria provided, single submitter. Criteria: Invitae Variant Classification Sherloc (09022015). Collection method: clinical testing. Allele origin: germline.
Comment: This sequence change creates a premature translational stop signal (p.Arg3170*) in the SACS gene. While this is not anticipated to result in nonsense mediated decay, it is expected to disrupt the last 1410 amino acid(s) of the SACS protein. This variant is present in population databases (rs202199411, gnomAD 0.002%). This premature translational stop signal has been observed in individual(s) with autosomal recessive spastic ataxia of Charlevoix-Saguenay (PMID: 23250129). ClinVar contains an entry for this variant (Variation ID: 280094). This variant disrupts a region of the SACS protein in which other variant(s) (p.Arg3903*) have been determined to be pathogenic (PMID: 19892370, 21745802). This suggests that this is a clinically significant region of the protein, and that variants that disrupt it are likely to be disease-causing. For these reasons, this variant has been classified as Pathogenic.

GeneDx
Classification: Pathogenic. Last evaluated: 2024-10-22. Review status: criteria provided, single submitter. Criteria: GeneDx Variant Classification Process June 2021. Collection method: clinical testing. Allele origin: germline. Affected: yes.
Comment: Nonsense variant predicted to result in protein truncation, as the last 1410 amino acids are lost, and other loss-of-function variants have been reported downstream in HGMD; Not observed at significant frequency in large population cohorts (gnomAD); This variant is associated with the following publications: (PMID: 31980526, 23250129)

Athena Diagnostics
Classification: Pathogenic. Last evaluated: 2024-09-27. Review status: criteria provided, single submitter. Criteria: Athena Diagnostics Criteria. Collection method: clinical testing. Allele origin: unknown.
Comment: The frequency of this variant in the general population is consistent with pathogenicity. This variant is not expected to cause loss of protein expression through nonsense-mediated decay. However, it disrupts a critical region of the protein, and therefore, is expected to severely disrupt its function. This variant has been identified in at least one individual with clinical features associated with this gene.

Baylor Genetics
Classification: Pathogenic for Charlevoix-Saguenay spastic ataxia. Last evaluated: 2024-03-27. Review status: criteria provided, single submitter. Criteria: ACMG Guidelines, 2015. Collection method: clinical testing. Allele origin: unknown.

Women's Health and Genetics/Laboratory Corporation of America, LabCorp
Classification: Likely pathogenic for Charlevoix-Saguenay spastic ataxia. Last evaluated: 2022-12-24. Review status: criteria provided, single submitter. Criteria: LabCorp Variant Classification Summary - May 2015. Collection method: clinical testing. Allele origin: germline.
Comment: Variant summary: SACS c.9508C>T (p.Arg3170X) results in a premature termination codon and is predicted to cause a truncation of the encoded protein, which is a commonly known mechanism for disease. Although this premature termination is not expected to result in nonsense mediated decay, truncations downstream of this position have been classified as pathogenic by our laboratory. The variant allele was found at a frequency of 4e-06 in 250380 control chromosomes (gnomAD). c.9508C>T has been reported in the literature in at least one compound heterozygous individual affected with Autosomal Recessive Spastic Ataxia Of Charlevoix-Saguenay (Thiffault_2013). These data do not allow any conclusion about variant significance. To our knowledge, no experimental evidence demonstrating an impact on protein function has been reported. Five ClinVar submitters have assessed the variant since 2014: two classified the variant as likely pathogenic, and three as pathogenic. Based on the evidence outlined above, the variant was classified as likely pathogenic.

PROSPAX: an integrated multimodal progression  chart in spastic ataxias, Center for Neurology; Hertie-Institute for Clinical Brain Research
Classification: Pathogenic for Charlevoix-Saguenay spastic ataxia. Last evaluated: 2022-01-01. Review status: criteria provided, single submitter. Criteria: ACMG Guidelines, 2015. Collection method: research. Allele origin: germline. Affected: yes. Observed: 1 variant allele, 1 compound heterozygote.

Genome-Nilou Lab
Classification: Pathogenic for Charlevoix-Saguenay spastic ataxia. Last evaluated: 2021-09-05. Review status: criteria provided, single submitter. Criteria: ACMG Guidelines, 2015. Collection method: clinical testing. Allele origin: germline. Affected: no.

Counsyl
Classification: Likely pathogenic for Charlevoix-Saguenay spastic ataxia. Last evaluated: 2016-04-05. Review status: no assertion criteria provided. Collection method: clinical testing. Allele origin: unknown. Not counted in ClinVar's aggregate classification.

Next Generation Genetic Polyclinic
Classification: Pathogenic for Charlevoix-Saguenay spastic ataxia. Review status: no assertion criteria provided. Collection method: clinical testing. Allele origin: inherited. Affected: yes. Not counted in ClinVar's aggregate classification.

Literature cited by the submitters: PubMed 23250129 (cited by 7 submitters); PubMed 31980526 (cited by 3 submitters); PubMed 19892370 (cited by Labcorp Genetics (formerly Invitae), Labcorp); PubMed 21745802 (cited by Labcorp Genetics (formerly Invitae), Labcorp).